The following is an entry in ClinVar:

NM_000132.4(F8):c.355G>C (p.Ala119Pro)

Gene: F8 (coagulation factor VIII; minus strand). Cytogenetic location: Xq28.
Variant type: single nucleotide variant.
Coding change: c.355G>C on transcript NM_000132.4 (MANE Select); coding-DNA position 355, G replaced by C.
Protein change: p.Ala119Pro; replaces alanine 119 with proline.
Molecular consequence: missense variant.
Genome position (GRCh38, 1-based): chrX:154,997,006, C>G on the plus strand (G>C on the coding strand, the complement: F8 is on the minus strand). VCF-style: chrX-154997006-C-G. GRCh37 (hg19) VCF-style: chrX-154225281-C-G.
Other names: short protein forms A119P.
Identifiers: ClinVar variation 2629508 (VCV002629508.1), dbSNP rs2073620712, ClinGen allele CA414919938.

ClinVar aggregate classification (germline): Uncertain significance (1 of 4 stars; one submission).

Conditions:
F8-related disorder. Also called: F8-related condition.

Allele frequency attached by ClinVar (database versions not stated): gnomAD exomes below 0.00001.
gnomAD v4.1: 1 of 1,211,135 alleles (0.000083%); highest among the groups gnomAD compares: Non-Finnish European, 0.00011%; no homozygotes.

Submission:

PreventionGenetics, part of Exact Sciences
Classification: Uncertain significance for F8-related condition. Last evaluated: 2023-04-27. Review status: criteria provided, single submitter. Criteria: ACMG Guidelines, 2015. Collection method: clinical testing. Allele origin: germline.
Comment: The F8 c.355G>C variant is predicted to result in the amino acid substitution p.Ala119Pro. This variant has been reported in an individual with severe hemophilia A (Al-Allaf et al. "Mutation screening of the factor VIII gene in hemophilia A in Saudi Arabia: two novel mutations and genotype-phenotype correlation." J Mol Genet Med 10.2 (2016): 1747-0862. 2016.) This variant has not been reported in a large population database, indicating this variant is rare. At this time, the clinical significance of this variant is uncertain due to the absence of conclusive functional and genetic evidence.